The following is an entry in ClinVar:

ClinVar aggregate classification (germline): Likely pathogenic (1 of 4 stars; one submission).

Conditions:
Dilated cardiomyopathy 1G (CMD1G). Identifiers: Orphanet 154, MedGen C1858763, MONDO:0011400, OMIM 604145.
Autosomal recessive limb-girdle muscular dystrophy type 2J (LGMDR10). Also called: Limb-girdle muscular dystrophy, type 2J; MUSCULAR DYSTROPHY, LIMB-GIRDLE, AUTOSOMAL RECESSIVE 10. Identifiers: Orphanet 140922, MedGen C1837342, MONDO:0012127, OMIM 608807.

Submission:

Labcorp Genetics (formerly Invitae), Labcorp
Classification: Likely pathogenic for Dilated cardiomyopathy 1G; Autosomal recessive limb-girdle muscular dystrophy type 2J. Last evaluated: 2023-10-03. Review status: criteria provided, single submitter. Criteria: Invitae Variant Classification Sherloc (09022015). Collection method: clinical testing. Allele origin: germline.
Comment: This sequence change creates a premature translational stop signal (p.Thr29255Metfs*16) in the TTN gene. While this is not anticipated to result in nonsense mediated decay, it is expected to create a truncated TTN protein. This variant is not present in population databases (gnomAD no frequency). This variant has not been reported in the literature in individuals affected with TTN-related conditions. ClinVar contains an entry for this variant (Variation ID: 1485043). This variant is located in the A band of TTN (PMID: 25589632). Truncating variants in this region are significantly overrepresented in patients affected with dilated cardiomyopathy (PMID: 25589632). Truncating variants in this region have also been reported in individuals affected with autosomal recessive centronuclear myopathy (PMID: 23975875). In summary, the currently available evidence indicates that the variant is pathogenic, but additional data are needed to prove that conclusively. Therefore, this variant has been classified as Likely Pathogenic.

Literature cited by the submitters: PubMed 25589632; PubMed 23975875.

NM_001267550.2(TTN):c.87764del (p.Thr29255fs)

Genes: TTN-AS1 (TTN antisense RNA 1; plus strand), TTN (titin; minus strand). Cytogenetic location: 2q31.2.
Variant type: Deletion.
Coding change: c.87764del on transcript NM_001267550.2 (MANE Select); coding-DNA position 87764, one base deleted (C; older notation c.87764delC).
Protein change: p.Thr29255fs; shifts the reading frame from threonine 29255.
Molecular consequence: frameshift variant.
Genome position (GRCh38, 1-based): chr2:178,557,498, G deleted on the plus strand (C on the coding strand, the reverse complement: TTN is on the minus strand). VCF-style (leftmost placement, unchanged base first): chr2-178557497-AG-A. GRCh37 (hg19) VCF-style: chr2-179422224-AG-A.
Other names: c.82841del, p.Thr27614fs (NM_001256850.1); c.60569del, p.Thr20190fs (NM_003319.4); c.80060del, p.Thr26687fs (NM_133378.4); c.60944del, p.Thr20315fs (NM_133432.3); c.61145del, p.Thr20382fs (NM_133437.4); short protein forms T27614fs, T20190fs, T20382fs, T26687fs, T29255fs, T20315fs.
Identifiers: ClinVar variation 1485043 (VCV001485043.6), dbSNP rs2154155659, ClinGen allele CA2573134134.
Genomic context (GRCh38, chr2:178,557,497, plus strand): 5'-TTCCAGGTGATAGCCTACGACTGCACTGCCTCCATTTGACACTGGTTCATGCCAGCCCAC[AG>A]TGATGCTTTCTCGAGTAACATTAGTGACCCATGGTGTAGATGGTGGTCCAGGTGTTGCTA-3'